The following is an entry in ClinVar:

NM_001267550.2(TTN):c.80494G>T (p.Glu26832Ter)

Genes: TTN (titin; minus strand), TTN-AS1 (TTN antisense RNA 1; plus strand). Cytogenetic location: 2q31.2.
Variant type: single nucleotide variant.
Coding change: c.80494G>T on transcript NM_001267550.2 (MANE Select); coding-DNA position 80494, G replaced by T.
Protein change: p.Glu26832Ter; replaces glutamic acid 26832 with a stop codon.
Molecular consequence: nonsense.
Genome position (GRCh38, 1-based): chr2:178,565,638, C>A on the plus strand (G>T on the coding strand, the complement: TTN is on the minus strand). VCF-style: chr2-178565638-C-A. GRCh37 (hg19) VCF-style: chr2-179430365-C-A.
Other names: c.75571G>T, p.Glu25191Ter (NM_001256850.1); c.72790G>T, p.Glu24264Ter (NM_133378.4); c.53299G>T, p.Glu17767Ter (NM_003319.4); c.53674G>T, p.Glu17892Ter (NM_133432.3); c.53875G>T, p.Glu17959Ter (NM_133437.4); short protein forms E24264*, E26832*, E25191*, E17892*, E17959*, E17767*.
Identifiers: ClinVar variation 228305 (VCV000228305.6), dbSNP rs780512337, ClinGen allele CA10576478.

ClinVar aggregate classification (germline): Likely pathogenic. Review status: criteria provided, multiple submitters, no conflicts (2 of 4 stars). 2 submissions from 2 submitters: Likely pathogenic (2). Last evaluated 2016-04-22.

Conditions:
Primary dilated cardiomyopathy (DCM). Also called: Dilated Cardiomyopathy. Identifiers: Orphanet 217604, MedGen C0007193, MeSH D002311, MONDO:0005021, HP:0001644. Inheritance: Various modes of inheritance.

Submissions (2):

GeneDx
Classification: Likely pathogenic. Last evaluated: 2016-04-22. Review status: criteria provided, single submitter. Criteria: GeneDx Variant Classification (06012015). Collection method: clinical testing. Allele origin: germline. Affected: yes.
Comment: The E25191X variant in the TTN gene has not been reported as a pathogenic variant or as a benign variant to our knowledge. E25191X is predicted to cause loss of normal protein function either by protein truncation or nonsense-mediated mRNA decay. Other truncating TTN variants have been reported in approximately 3% of control alleles (Herman et al., 2012). However, E25191X is located in the A-band region of titin, where the majority of truncating pathogenic variants associated with DCM have been reported (Herman et al., 2012). Furthermore, the E25191X variant was not observed in approximately 6,100 individuals of European and African American ancestry in the NHLBI Exome Sequencing Project, indicating it is not a common benign variant in these populations. The E25191X variant is a strong candidate for a pathogenic variant, however the possibility it may be a rare benign variant cannot be excluded.

Laboratory for Molecular Medicine, Mass General Brigham Personalized Medicine
Classification: Likely pathogenic for Primary dilated cardiomyopathy. Last evaluated: 2016-01-11. Review status: criteria provided, single submitter. Criteria: LMM Criteria. Collection method: clinical testing. Allele origin: germline. Inheritance: Autosomal dominant inheritance. Observed: 1 variant allele.
Comment: The p.Glu24264X variant in TTN has not been previously reported in individuals w ith cardiomyopathy or in large population studies. This nonsense variant leads t o a premature termination codon at position 24264 which is predicted to lead to a truncated or absent protein. Nonsense and other truncating variants in TTN are strongly associated with DCM if they impact the exons encoding for the A-band ( Herman 2012, Pugh 2014) or are located in an exon that is highly expressed in th e heart (Roberts 2015). This variant is located the highly expressed exon 275 of the A-band. In summary, although additional studies are required to fully estab lish its clinical significance, the p.Glu24264X variant is likely pathogenic.